The following is an entry in ClinVar:

NM_001105206.3(LAMA4):c.1353C>T (p.Tyr451=)

Gene: LAMA4 (laminin subunit alpha 4; minus strand). Cytogenetic location: 6q21.
Variant type: single nucleotide variant.
Coding change: c.1353C>T on transcript NM_001105206.3 (MANE Select); coding-DNA position 1353, C replaced by T.
Protein change: p.Tyr451=; no amino-acid change (tyrosine 451 retained).
Molecular consequence: synonymous variant.
Genome position (GRCh38, 1-based): chr6:112,175,317, G>A on the plus strand (C>T on the coding strand, the complement: LAMA4 is on the minus strand). VCF-style: chr6-112175317-G-A. GRCh37 (hg19) VCF-style: chr6-112496519-G-A.
Other names: c.1332C>T, p.Tyr444= (NM_001105207.3, NM_002290.5).
Identifiers: ClinVar variation 227474 (VCV000227474.17), dbSNP rs782546070, ClinGen allele CA3965806.

ClinVar aggregate classification (germline): Benign/Likely benign. Review status: criteria provided, multiple submitters, no conflicts (2 of 4 stars). 5 submissions from 5 submitters: Benign (1); Likely benign (4). Last evaluated 2026-01-25.

Conditions:
Cardiovascular phenotype. Identifiers: MedGen CN230736.
Dilated cardiomyopathy 1JJ (CMD1JJ). Identifiers: Orphanet 154, MedGen C3808935, MONDO:0014095, OMIM 615235.

Allele frequency attached by ClinVar (database versions not stated): gnomAD 0.00005 and 0.00006; TOPMed 0.00006; ExAC 0.00007; gnomAD exomes 0.00008 and 0.00011.
gnomAD v4.1: 177 of 1,613,804 alleles (0.011%); highest among the groups gnomAD compares: Non-Finnish European, 0.013%; no homozygotes.

Submissions (5):

Labcorp Genetics (formerly Invitae), Labcorp
Classification: Likely benign for Dilated cardiomyopathy 1JJ. Last evaluated: 2026-01-25. Review status: criteria provided, single submitter. Criteria: Invitae Variant Classification Sherloc (09022015). Collection method: clinical testing. Allele origin: germline.

Women's Health and Genetics/Laboratory Corporation of America, LabCorp
Classification: Benign. Last evaluated: 2024-03-11. Review status: criteria provided, single submitter. Criteria: LabCorp Variant Classification Summary - May 2015. Collection method: clinical testing. Allele origin: germline.

Ambry Genetics
Classification: Likely benign for Cardiovascular phenotype. Last evaluated: 2019-12-04. Review status: criteria provided, single submitter. Criteria: Ambry Variant Classification Scheme 2023. Collection method: clinical testing. Allele origin: germline.

GeneDx
Classification: Likely benign. Last evaluated: 2019-09-03. Review status: criteria provided, single submitter. Criteria: GeneDx Variant Classification Process June 2021. Collection method: clinical testing. Allele origin: germline. Affected: yes.

Laboratory for Molecular Medicine, Mass General Brigham Personalized Medicine
Classification: Likely benign. Last evaluated: 2015-03-18. Review status: criteria provided, single submitter. Criteria: LMM Criteria. Collection method: clinical testing. Allele origin: germline. Observed: 1 variant allele.
Comment: p.Tyr444Tyr in exon 11 of LAMA4: This variant is not expected to have clinical s ignificance because it does not alter an amino acid residue and is not located w ithin the splice consensus sequence. It has been identified in 9/66738 European chromosomes by the Exome Aggregation Consortium (ExAC).